The following is an entry in ClinVar:

NM_000551.4(VHL):c.340+629A>G

Genes: VHL (von Hippel-Lindau tumor suppressor; plus strand), LOC107303340 (3p25 von Hippel-Lindau tumor suppressor, E3 ubiquitin protein ligase Alu-mediated recombination region; plus strand). Cytogenetic location: 3p25.3.
Variant type: single nucleotide variant.
Coding change: c.340+629A>G on transcript NM_000551.4 (MANE Select); 629 bases into the intron after coding-DNA position 340, A replaced by G.
Molecular consequence: intron variant. On other transcripts: missense variant (1).
Genome position (GRCh38, 1-based): chr3:10,142,816, A>G. VCF-style: chr3-10142816-A-G. GRCh37 (hg19) VCF-style: chr3-10184500-A-G.
Other names: c.340+629A>G (NM_198156.3); c.394A>G, p.Thr132Ala (NM_001354723.2); short protein forms T132A.
Identifiers: ClinVar variation 2080094 (VCV002080094.4), dbSNP rs2125125895, ClinGen allele CA2580068423.

ClinVar aggregate classification (germline): Uncertain significance (1 of 4 stars; one submission).

Conditions:
Von Hippel-Lindau syndrome (VHLS). Also called: Von Hippel-Lindau; von Hippel–Lindau syndrome; VHL syndrome. Identifiers: Orphanet 892, MedGen C0019562, MONDO:0008667, OMIM 193300. Disease mechanism: loss of function.
Chuvash polycythemia. Also called: POLYCYTHEMIA, VHL-DEPENDENT. Identifiers: Orphanet 238557, MedGen C1837915, MONDO:0009892, OMIM 263400.

Submission:

Labcorp Genetics (formerly Invitae), Labcorp
Classification: Uncertain significance for Von Hippel-Lindau syndrome; Chuvash polycythemia. Last evaluated: 2022-01-11. Review status: criteria provided, single submitter. Criteria: Invitae Variant Classification Sherloc (09022015). Collection method: clinical testing. Allele origin: germline.
Comment: This variant has not been reported in the literature in individuals affected with VHL-related conditions. In summary, the available evidence is currently insufficient to determine the role of this variant in disease. Therefore, it has been classified as a Variant of Uncertain Significance. Experimental studies and prediction algorithms are not available or were not evaluated, and the functional significance of this variant is currently unknown. This variant is not present in population databases (gnomAD no frequency). This sequence change falls in intron 1 of the VHL gene. It is not expected to change the encoded amino acid sequence of the VHL protein. However, this sequence change falls within a cryptic exon in the VHL gene, known as exon E1’, which is naturally expressed at low levels in several human tissues (PMID: 29891534).

Literature cited by the submitters: PubMed 29891534.